The following is an entry in ClinVar:

ClinVar aggregate classification (germline): Pathogenic/Likely pathogenic. Review status: criteria provided, multiple submitters, no conflicts (2 of 4 stars). 5 submissions from 4 submitters: Pathogenic (1); Likely pathogenic (4). Last evaluated 2024-03-14.

Conditions:
Hereditary pulmonary alveolar proteinosis. Also called: Pulmonary surfactant metabolism dysfunction. Identifiers: Orphanet 264675, MedGen C3711368, MONDO:0012580.
Loeys-Dietz syndrome (LDS). Identifiers: Orphanet 60030, MedGen C2697932, MONDO:0018954.
Interstitial lung disease due to ABCA3 deficiency. Also called: PULMONARY ALVEOLAR PROTEINOSIS, CONGENITAL, 3. Identifiers: Orphanet 440402, MedGen C1970456, MONDO:0012582, OMIM 610921.

Allele frequency attached by ClinVar (database versions not stated): gnomAD 0.00001; gnomAD exomes 0.00001; TOPMed 0.00001; 1000 Genomes Project 0.00020; 1000 Genomes Project 30x 0.00031.
gnomAD v4.1: 19 of 1,598,568 alleles (0.0012%); highest among the groups gnomAD compares: East Asian, 0.0022%; no homozygotes.

Submissions (5):

Women's Health and Genetics/Laboratory Corporation of America, LabCorp
Classification: Likely pathogenic for Interstitial lung disease due to ABCA3 deficiency. Last evaluated: 2024-03-14. Review status: criteria provided, single submitter. Criteria: LabCorp Variant Classification Summary - May 2015. Collection method: clinical testing. Allele origin: germline.
Comment: Variant summary: ABCA3 c.440C>T (p.Pro147Leu) results in a non-conservative amino acid change in the encoded protein sequence. Five of five in-silico tools predict a damaging effect of the variant on protein function. The variant allele was found at a frequency of 2.2e-05 in 227782 control chromosomes (gnomAD). c.440C>T has been reported in the literature in individuals affected with Pulmonary surfactant metabolism dysfunction (Somaschini_2007, Hamvas_2009, Wambach_2014, Jouza_2020). These data indicate that the variant is likely to be associated with disease. To our knowledge, no experimental evidence demonstrating an impact on protein function has been reported. The following publications have been ascertained in the context of this evaluation (PMID: 17517255, 19647838, 24871971, 33110422). ClinVar contains an entry for this variant (Variation ID: 1740383). Based on the evidence outlined above, the variant was classified as likely pathogenic.

Women's Health and Genetics/Laboratory Corporation of America, LabCorp
Classification: Likely pathogenic for Loeys-Dietz syndrome. Last evaluated: 2024-03-14. Review status: criteria provided, single submitter. Criteria: LabCorp Variant Classification Summary - May 2015. Collection method: clinical testing. Allele origin: germline.
Comment: Variant summary: SMAD3 c.440C>T (p.Pro147Leu) results in a non-conservative amino acid change in the encoded protein sequence. Three of five in-silico tools predict a damaging effect of the variant on protein function. The variant allele was found at a frequency of 3.8e-05 in 394710 control chromosomes (gnomAD v2.1 & v3). The observed variant frequency is approximately 30-fold of the estimated maximal expected allele frequency for a pathogenic variant in SMAD3 causing Loeys-Dietz Syndrome phenotype (1.3e-06), suggesting that the variant might be benign. To our knowledge, no occurrence of c.440C>T in individuals affected with Loeys-Dietz Syndrome and no experimental evidence demonstrating its impact on protein function have been reported. Five clinical diagnostic laboratories have submitted clinical-significance assessments for this variant to ClinVar after 2014 without evidence for independent evaluation, and all of them classified the variant as uncertain significance. Based on the evidence outlined above, the variant was classified as VUS-possibly benign.

Fulgent Genetics
Classification: Likely pathogenic for Interstitial lung disease due to ABCA3 deficiency. Last evaluated: 2024-03-13. Review status: criteria provided, single submitter. Criteria: ACMG Guidelines, 2015. Collection method: clinical testing. Allele origin: germline.

Labcorp Genetics (formerly Invitae), Labcorp
Classification: Pathogenic. Last evaluated: 2023-03-15. Review status: criteria provided, single submitter. Criteria: Invitae Variant Classification Sherloc (09022015). Collection method: clinical testing. Allele origin: germline.
Comment: Advanced modeling of protein sequence and biophysical properties (such as structural, functional, and spatial information, amino acid conservation, physicochemical variation, residue mobility, and thermodynamic stability) performed at Invitae indicates that this missense variant is expected to disrupt ABCA3 protein function. For these reasons, this variant has been classified as Pathogenic. This sequence change replaces proline, which is neutral and non-polar, with leucine, which is neutral and non-polar, at codon 147 of the ABCA3 protein (p.Pro147Leu). The frequency data for this variant in the population databases is considered unreliable, as metrics indicate poor data quality at this position in the gnomAD database. This missense change has been observed in individual(s) with clinical features consistent with surfactant metabolism dysfunction (PMID: 17517255, 19647838, 24871971, 33110422). ClinVar contains an entry for this variant (Variation ID: 1740383).

Ambry Genetics
Classification: Likely pathogenic for Hereditary pulmonary alveolar proteinosis. Last evaluated: 2015-07-15. Review status: criteria provided, single submitter. Criteria: Ambry Variant Classification Scheme 2023. Collection method: clinical testing. Allele origin: germline.
Comment: The p.P147L variant (also known as c.440C>T), located in coding exon 3 of the ABCA3 gene, results from a C to T substitution at nucleotide position 440. The proline at codon 147 is replaced by leucine, an amino acid with some similar properties. This alteration was first reported in an infant with unexplained respiratory distress, desquamative interstitial pnemonia, who died under one year of age; this patient was confirmed to have another ABCA3 alteration (p.R155Q) in trans (Somaschini M et al. J Pediatr. 2007;150(6):649-53, 653.e1). This alteration was also reported in the homozygous state (due to paternal uniparental disomy) in an infant with respiratory failure, poor weight gain at birth, and interstitial infiltrates on CT; This variant was previously reported in the SNPDatabase as rs200171469. Based on data from the 1000 Genomes Project, the T allele has an overall frequency of approximately 0.05% (1/2098) total alleles studied. The highest observed frequency was 0.83% (1/120) Colombian alleles. This amino acid position is highly conserved in available vertebrate species. In addition, this alteration is predicted to be deleterious by in silico analysis. Based on the majority of available evidence to date, this variant is likely to be pathogenic.

Literature cited by the submitters: PubMed 17517255 (cited by 3 submitters); PubMed 24871971 (cited by Women's Health and Genetics/Laboratory Corporation of America, LabCorp and Labcorp Genetics (formerly Invitae), Labcorp); PubMed 19647838 (cited by 3 submitters); PubMed 33110422 (cited by Women's Health and Genetics/Laboratory Corporation of America, LabCorp and Labcorp Genetics (formerly Invitae), Labcorp).

NM_001089.3(ABCA3):c.440C>T (p.Pro147Leu)

Gene: ABCA3 (ATP binding cassette subfamily A member 3; minus strand). Cytogenetic location: 16p13.3.
Variant type: single nucleotide variant.
Coding change: c.440C>T on transcript NM_001089.3 (MANE Select); coding-DNA position 440, C replaced by T.
Protein change: p.Pro147Leu; replaces proline 147 with leucine.
Molecular consequence: missense variant.
Genome position (GRCh38, 1-based): chr16:2,324,411, G>A on the plus strand (C>T on the coding strand, the complement: ABCA3 is on the minus strand). VCF-style: chr16-2324411-G-A. GRCh37 (hg19) VCF-style: chr16-2374412-G-A.
Other names: short protein forms P147L.
Identifiers: ClinVar variation 1740383 (VCV001740383.9), dbSNP rs200171469, ClinGen allele CA7841670.